The following is an entry in ClinVar:

NM_004174.4(SLC9A3):c.256G>A (p.Ala86Thr)

Gene: SLC9A3 (solute carrier family 9 member A3). Cytogenetic location: 5p15.33.
Variant type: single nucleotide variant.
Coding change: c.256G>A on transcript NM_004174.4 (MANE Select); coding-DNA position 256, G replaced by A.
Protein change: p.Ala86Thr; replaces alanine 86 with threonine.
Molecular consequence: missense variant.
Genome position (GRCh38, 1-based): chr5:492,027, C>T on the plus strand (G>A on the coding strand, the complement: SLC9A3 is on the minus strand). VCF-style: chr5-492027-C-T. GRCh37 (hg19) VCF-style: chr5-492142-C-T.
Other names: c.256G>A, p.Ala86Thr (NM_001284351.3); c.256G>A (NM_004174.2); short protein forms A86T.
Identifiers: ClinVar variation 3023690 (VCV003023690.3), dbSNP rs558720750, ClinGen allele CA3176383.

ClinVar aggregate classification (germline): Uncertain significance. Review status: criteria provided, multiple submitters, no conflicts (2 of 4 stars). 2 submissions from 2 submitters: Uncertain significance (2). Last evaluated 2024-01-31.

Conditions:
Inborn genetic diseases. Identifiers: MedGen C0950123, MeSH D030342.

Allele frequency attached by ClinVar (database versions not stated): ExAC 0.00009; 1000 Genomes Project 0.00020; 1000 Genomes Project 30x 0.00031.
gnomAD v4.1: 54 of 1,567,270 alleles (0.0034%); highest among the groups gnomAD compares: South Asian, 0.017%; no homozygotes.

Submissions (2):

Labcorp Genetics (formerly Invitae), Labcorp
Classification: Uncertain significance. Last evaluated: 2024-01-31. Review status: criteria provided, single submitter. Criteria: Invitae Variant Classification Sherloc (09022015). Collection method: clinical testing. Allele origin: germline.
Comment: This sequence change replaces alanine, which is neutral and non-polar, with threonine, which is neutral and polar, at codon 86 of the SLC9A3 protein (p.Ala86Thr). This variant is present in population databases (rs558720750, gnomAD 0.03%). This variant has not been reported in the literature in individuals affected with SLC9A3-related conditions. Advanced modeling of protein sequence and biophysical properties (such as structural, functional, and spatial information, amino acid conservation, physicochemical variation, residue mobility, and thermodynamic stability) performed at Invitae indicates that this missense variant is expected to disrupt SLC9A3 protein function with a positive predictive value of 80%. In summary, the available evidence is currently insufficient to determine the role of this variant in disease. Therefore, it has been classified as a Variant of Uncertain Significance.

Ambry Genetics
Classification: Uncertain significance for Inborn genetic diseases. Last evaluated: 2021-07-16. Review status: criteria provided, single submitter. Criteria: Ambry Variant Classification Scheme 2023. Collection method: clinical testing. Allele origin: germline.